The following is an entry in ClinVar:

ClinVar aggregate classification (germline): Conflicting classifications of pathogenicity. Review status: criteria provided, conflicting classifications (1 of 4 stars). 4 submissions from 4 submitters: Uncertain significance (1); Benign (1). 2 of the submissions do not count toward it. Last evaluated 2026-02-02.

Conditions:
ACAT1-related disorder. Also called: ACAT1-related condition.
Deficiency of acetyl-CoA acetyltransferase. Also called: 3-KETOTHIOLASE DEFICIENCY; 3-OXOTHIOLASE DEFICIENCY; MITOCHONDRIAL ACETOACETYL-CoA THIOLASE DEFICIENCY; Beta-ketothiolase deficiency. Identifiers: Orphanet 134, MedGen C1536500, MONDO:0008760, OMIM 203750. Disease mechanism: loss of function.

Allele frequency attached by ClinVar (database versions not stated): ESP Exome Variant Server 0.00175; gnomAD 0.00219; 1000 Genomes Project 0.00220; TOPMed 0.00227; 1000 Genomes Project 30x 0.00265.
gnomAD v4.1: 597 of 1,549,022 alleles (0.039%); highest among the groups gnomAD compares: African/African-American, 0.74%; 3 homozygotes.

Submissions (4):

Labcorp Genetics (formerly Invitae), Labcorp
Classification: Benign for Deficiency of acetyl-CoA acetyltransferase. Last evaluated: 2026-02-02. Review status: criteria provided, single submitter. Criteria: Invitae Variant Classification Sherloc (09022015). Collection method: clinical testing. Allele origin: germline.

Eurofins Ntd Llc (ga)
Classification: Uncertain significance. Last evaluated: 2014-07-08. Review status: criteria provided, single submitter. Criteria: EGL Classification Definitions 2015. Collection method: clinical testing. Allele origin: germline. Observed: 1 variant allele, 1 heterozygote.

PreventionGenetics, part of Exact Sciences
Classification: Likely benign for ACAT1-related condition. Last evaluated: 2020-12-13. Review status: no assertion criteria provided. Collection method: clinical testing. Allele origin: germline. Not counted in ClinVar's aggregate classification.
Comment: This variant is classified as likely benign based on ACMG/AMP sequence variant interpretation guidelines (Richards et al. 2015 PMID: 25741868, with internal and published modifications).

Natera, Inc.
Classification: Likely benign for Alpha-methylacetoacetic aciduria. Last evaluated: 2020-05-29. Review status: no assertion criteria provided. Collection method: clinical testing. Allele origin: germline. Not counted in ClinVar's aggregate classification.

NM_000019.4(ACAT1):c.60G>C (p.Arg20=)

Gene: ACAT1 (acetyl-CoA acetyltransferase 1; plus strand). Cytogenetic location: 11q22.3.
Variant type: single nucleotide variant.
Coding change: c.60G>C on transcript NM_000019.4 (MANE Select); coding-DNA position 60, G replaced by C.
Protein change: p.Arg20=; no amino-acid change (arginine 20 retained).
Molecular consequence: synonymous variant.
Genome position (GRCh38, 1-based): chr11:108,121,666, G>C. VCF-style: chr11-108121666-G-C. GRCh37 (hg19) VCF-style: chr11-107992393-G-C.
Other names: c.60G>C, p.Arg20= (LRG_1400t1).
Identifiers: ClinVar variation 193031 (VCV000193031.17), dbSNP rs77311724, ClinGen allele CA238541.